The following is an entry in ClinVar:

NM_001206927.2(DNAH8):c.11877T>G (p.Tyr3959Ter)

Genes: DNAH8 (dynein axonemal heavy chain 8; plus strand), DNAH8-AS1 (DNAH8 antisense RNA 1; minus strand). Cytogenetic location: 6p21.2.
Variant type: single nucleotide variant.
Coding change: c.11877T>G on transcript NM_001206927.2 (MANE Select); coding-DNA position 11877, T replaced by G.
Protein change: p.Tyr3959Ter; replaces tyrosine 3959 with a stop codon.
Molecular consequence: nonsense.
Genome position (GRCh38, 1-based): chr6:38,938,858, T>G. VCF-style: chr6-38938858-T-G. GRCh37 (hg19) VCF-style: chr6-38906634-T-G.
Other names: c.11226T>G, p.Tyr3742Ter (NM_001371.4); short protein forms Y3742*, Y3959*.
Identifiers: ClinVar variation 2728907 (VCV002728907.3), dbSNP rs754334951, ClinGen allele CA3791209.
Genomic context (GRCh38, chr6:38,938,858, plus strand): 5'-ATCTGAAAAGTCACCACTACCTCAAAAGAGAATTACAAATATTATCGAGTACCTGACATA[T>G]GAAGTTTTTACATACTCTGTCAGAGGCCTATACGAAAACCACAAATTCCTGTTTGTACTC-3'

ClinVar aggregate classification (germline): Pathogenic (1 of 4 stars; one submission).

Conditions:
Primary ciliary dyskinesia. Also called: Ciliary dyskinesia. Identifiers: Orphanet 244, MedGen C0008780, MONDO:0016575, HP:0012265.

Allele frequency attached by ClinVar (database versions not stated): gnomAD 0.00001; ExAC 0.00002; TOPMed 0.00002.
gnomAD v4.1: 29 of 1,613,142 alleles (0.0018%); highest among the groups gnomAD compares: Non-Finnish European, 0.0025%; no homozygotes.

Submission:

Labcorp Genetics (formerly Invitae), Labcorp
Classification: Pathogenic for Primary ciliary dyskinesia. Last evaluated: 2023-03-31. Review status: criteria provided, single submitter. Criteria: Invitae Variant Classification Sherloc (09022015). Collection method: clinical testing. Allele origin: germline.
Comment: For these reasons, this variant has been classified as Pathogenic. Algorithms developed to predict the effect of sequence changes on RNA splicing suggest that this variant may disrupt the consensus splice site. This variant has not been reported in the literature in individuals affected with DNAH8-related conditions. This variant is present in population databases (rs754334951, gnomAD 0.003%). This sequence change creates a premature translational stop signal (p.Tyr3959*) in the DNAH8 gene. It is expected to result in an absent or disrupted protein product. Loss-of-function variants in DNAH8 are known to be pathogenic (PMID: 24307375, 32619401, 32681648).

Literature cited by the submitters: PubMed 24307375; PubMed 32619401; PubMed 32681648.